The following is an entry in ClinVar:

ClinVar aggregate classification (germline): Likely benign (1 of 4 stars; one submission).

gnomAD v4.1: 1,975 of 1,614,144 alleles (0.12%); highest among the groups gnomAD compares: Admixed American, 0.18%; 2 homozygotes.

Submissions (6):

CeGaT Center for Human Genetics Tuebingen
Classification: Likely benign. Last evaluated: 2026-03-01. Review status: criteria provided, single submitter. Criteria: CeGaT Center For Human Genetics Tuebingen Variant Classification Criteria Version 2. Collection method: clinical testing. Allele origin: germline. Affected: yes. Observed: 1 variant allele.
Comment: MAST2: BS2

Dr. Peter K. Rogan Lab, Western University
No classification provided (evidence only). Condition: Familial cancer of breast. Review status: no classification provided. Collection method: in vitro. Allele origin: not applicable. Functional consequence: retained intron. Not counted in ClinVar's aggregate classification.

Dr. Peter K. Rogan Lab, Western University
No classification provided (evidence only). Condition: Acute myeloid leukemia. Review status: no classification provided. Collection method: in vitro. Allele origin: not applicable. Functional consequence: retained intron. Not counted in ClinVar's aggregate classification.

Dr. Peter K. Rogan Lab, Western University
No classification provided (evidence only). Condition: Malignant lymphoma, large B-cell, diffuse. Review status: no classification provided. Collection method: in vitro. Allele origin: not applicable. Functional consequence: retained intron. Not counted in ClinVar's aggregate classification.

Dr. Peter K. Rogan Lab, Western University
No classification provided (evidence only). Condition: Gastric cancer. Review status: no classification provided. Collection method: in vitro. Allele origin: not applicable. Functional consequence: retained intron. Not counted in ClinVar's aggregate classification.

Dr. Peter K. Rogan Lab, Western University
No classification provided (evidence only). Condition: Uterine carcinosarcoma. Review status: no classification provided. Collection method: in vitro. Allele origin: not applicable. Functional consequence: retained intron. Not counted in ClinVar's aggregate classification.

NM_015112.3(MAST2):c.3409G>A (p.Val1137Met)

Gene: MAST2 (microtubule associated serine/threonine kinase 2; plus strand). Cytogenetic location: 1p34.1.
Variant type: single nucleotide variant.
Coding change: c.3409G>A on transcript NM_015112.3 (MANE Select); coding-DNA position 3409, G replaced by A.
Protein change: p.Val1137Met; replaces valine 1137 with methionine.
Molecular consequence: missense variant.
Genome position (GRCh38, 1-based): chr1:46,032,399, G>A. VCF-style: chr1-46032399-G-A. GRCh37 (hg19) VCF-style: chr1-46498071-G-A.
Other names: NC_000001.10:g.46498071G>A; c.3409G>A, p.Val1137Met (NM_001319245.2); c.3430G>A, p.Val1144Met (NM_001324320.2); c.2947G>A, p.Val983Met (NM_001324321.2); short protein forms V983M, V1144M, V1137M.
Identifiers: ClinVar variation 4440610 (VCV004440610.5).
Genomic context (GRCh38, chr1:46,032,399, plus strand): 5'-ACCCTGCGGGCCATTCGCGTCTACATGGGTGACTCCGATGTCTACACCGTGCACCATATG[G>A]TGTGGGTATGTCTGACCATCCAGACCTGCTGTCTCCCTGCTTCATCATCCTTCCAGCTTC-3'
Protein context (NP_055927.2, residues 1127-1147): DSDVYTVHHM[Val1137Met]WHVEDGGPAS